The following is an entry in ClinVar:

ClinVar aggregate classification (germline): Uncertain significance (1 of 4 stars; one submission).

Submission:

Labcorp Genetics (formerly Invitae), Labcorp
Classification: Uncertain significance. Last evaluated: 2023-10-05. Review status: criteria provided, single submitter. Criteria: Invitae Variant Classification Sherloc (09022015). Collection method: clinical testing. Allele origin: germline.
Comment: This sequence change replaces aspartic acid, which is acidic and polar, with glycine, which is neutral and non-polar, at codon 2022 of the FLNB protein (p.Asp2022Gly). This variant is not present in population databases (gnomAD no frequency). This variant has not been reported in the literature in individuals affected with FLNB-related conditions. Advanced modeling of protein sequence and biophysical properties (such as structural, functional, and spatial information, amino acid conservation, physicochemical variation, residue mobility, and thermodynamic stability) performed at Invitae indicates that this missense variant is not expected to disrupt FLNB protein function. In summary, the available evidence is currently insufficient to determine the role of this variant in disease. Therefore, it has been classified as a Variant of Uncertain Significance.

NM_001457.4(FLNB):c.6065A>G (p.Asp2022Gly)

Gene: FLNB (filamin B; plus strand). Cytogenetic location: 3p14.3.
Variant type: single nucleotide variant.
Coding change: c.6065A>G on transcript NM_001457.4 (MANE Select); coding-DNA position 6065, A replaced by G.
Protein change: p.Asp2022Gly; replaces aspartic acid 2022 with glycine.
Molecular consequence: missense variant.
Genome position (GRCh38, 1-based): chr3:58,148,826, A>G. VCF-style: chr3-58148826-A-G. GRCh37 (hg19) VCF-style: chr3-58134553-A-G.
Other names: c.6158A>G, p.Asp2053Gly (NM_001164317.2); c.6032A>G, p.Asp2011Gly (NM_001164318.2); c.5993A>G, p.Asp1998Gly (NM_001164319.2); short protein forms D1998G, D2011G, D2022G, D2053G.
Identifiers: ClinVar variation 2762519 (VCV002762519.3), dbSNP rs2471206866, ClinGen allele CA353356496.